The following is an entry in ClinVar:

NM_017514.5(PLXNA3):c.2634C>T (p.Gly878=)

Gene: PLXNA3 (plexin A3; plus strand). Cytogenetic location: Xq28.
Variant type: single nucleotide variant.
Coding change: c.2634C>T on transcript NM_017514.5 (MANE Select); coding-DNA position 2634, C replaced by T.
Protein change: p.Gly878=; no amino-acid change (glycine 878 retained).
Molecular consequence: synonymous variant.
Genome position (GRCh38, 1-based): chrX:154,466,036, C>T. VCF-style: chrX-154466036-C-T. GRCh37 (hg19) VCF-style: chrX-153694379-C-T.
Identifiers: ClinVar variation 3353340 (VCV003353340.1).
Genomic context (GRCh38, chrX:154,466,036, plus strand): 5'-CACCATCGTGGGTGAGAACCTGGGCCTCTTGTCCCGAGAGGTGGGCCTGCGGGTGGCTGG[C>T]GTGCGTTGCAACTCCATTCCGGCCGAGTACATCAGTGCTGAGAGGTGAGTGCGGCTCTGT-3'
Protein context (NP_059984.3, residues 868-888): LSREVGLRVA[Gly878=]VRCNSIPAEY

ClinVar aggregate classification (germline): Likely benign (0 of 4 stars; one submission).

Conditions:
PLXNA3-related disorder. Also called: PLXNA3-related condition.

gnomAD v4.1: 21 of 1,208,579 alleles (0.0017%); highest among the groups gnomAD compares: South Asian, 0.0035%; no homozygotes.

Submission:

PreventionGenetics, part of Exact Sciences
Classification: Likely benign for PLXNA3-related condition. Last evaluated: 2023-04-05. Review status: no assertion criteria provided. Collection method: clinical testing. Allele origin: germline.
Comment: This variant is classified as likely benign based on ACMG/AMP sequence variant interpretation guidelines (Richards et al. 2015 PMID: 25741868, with internal and published modifications).